The following is an entry in ClinVar:

NM_015627.3(LDLRAP1):c.148del (p.Leu50fs)

Gene: LDLRAP1 (low density lipoprotein receptor adaptor protein 1; plus strand). Cytogenetic location: 1p36.11.
Variant type: Deletion.
Coding change: c.148del on transcript NM_015627.3 (MANE Select); coding-DNA position 148, one base deleted (C; older notation c.148delC).
Protein change: p.Leu50fs; shifts the reading frame from leucine 50.
Molecular consequence: frameshift variant.
Genome position (GRCh38, 1-based): chr1:25,553,981, C deleted; the last of 2 consecutive C bases (chr1:25,553,980-25,553,981); deleting either gives the same sequence. VCF-style (leftmost placement, unchanged base first): chr1-25553979-GC-G. GRCh37 (hg19) VCF-style: chr1-25880470-GC-G.
Other names: short protein forms L50fs.
Identifiers: ClinVar variation 2855236 (VCV002855236.3), dbSNP rs2523989528, ClinGen allele CA2644168207.
Genomic context (GRCh38, chr1:25,553,979, plus strand): 5'-CAGAGCTGCCTGAGAACTGGACAGACACGCGGGAGACGCTGCTGGAGGGGATGCTGTTCA[GC>G]CTCAAGTACCTGGGCATGACGCTAGTGGAGCAGCCCAAGGGTGAGGAGCTGTCGGCCGCC-3'

ClinVar aggregate classification (germline): Pathogenic (1 of 4 stars; one submission).

Conditions:
Hypercholesterolemia, familial, 4 (FHCL4). Also called: HYPERCHOLESTEROLEMIA, AUTOSOMAL RECESSIVE, 1; HYPERCHOLESTEROLEMIA, AUTOSOMAL RECESSIVE, 2. Identifiers: Orphanet 391665, MedGen C1863512, MONDO:0011374, OMIM 603813.

Submission:

Labcorp Genetics (formerly Invitae), Labcorp
Classification: Pathogenic for Hypercholesterolemia, familial, 4. Last evaluated: 2023-04-11. Review status: criteria provided, single submitter. Criteria: Invitae Variant Classification Sherloc (09022015). Collection method: clinical testing. Allele origin: germline.
Comment: For these reasons, this variant has been classified as Pathogenic. Algorithms developed to predict the effect of sequence changes on RNA splicing suggest that this variant may disrupt the consensus splice site. This variant has not been reported in the literature in individuals affected with LDLRAP1-related conditions. This variant is not present in population databases (gnomAD no frequency). This sequence change creates a premature translational stop signal (p.Leu50Serfs*6) in the LDLRAP1 gene. It is expected to result in an absent or disrupted protein product. Loss-of-function variants in LDLRAP1 are known to be pathogenic (PMID: 11326085, 12464675).

Literature cited by the submitters: PubMed 11326085; PubMed 12464675.